The following is an entry in ClinVar:

NM_144568.4(PIP4P1):c.440+7G>A

Gene: PIP4P1 (phosphatidylinositol-4,5-bisphosphate 4-phosphatase 1; minus strand). Cytogenetic location: 14q11.2.
Variant type: single nucleotide variant.
Coding change: c.440+7G>A on transcript NM_144568.4 (MANE Select); 7 bases into the intron after coding-DNA position 440, G replaced by A.
Molecular consequence: intron variant.
Genome position (GRCh38, 1-based): chr14:20,460,185, C>T on the plus strand (G>A on the coding strand, the complement: PIP4P1 is on the minus strand). VCF-style: chr14-20460185-C-T. GRCh37 (hg19) VCF-style: chr14-20928344-C-T.
Other names: c.461+7G>A (NM_001100814.3).
Identifiers: ClinVar variation 3341540 (VCV003341540.16).
Genomic context (GRCh38, chr14:20,460,185, plus strand): 5'-TATACGCTCATCCTTTTTTGACTTTCCAGTTCCCCACTTAGGCCCTTCCCCACCTTATGC[C>T]TCTTACCAGTAGGGCCGAGGGCATGCAATCCGTTGGGATGTCACTTTGCAGATAAGGAGA-3'

ClinVar aggregate classification (germline): Likely benign (1 of 4 stars; one submission).

Submission:

CeGaT Center for Human Genetics Tuebingen
Classification: Likely benign. Last evaluated: 2024-08-01. Review status: criteria provided, single submitter. Criteria: CeGaT Center For Human Genetics Tuebingen Variant Classification Criteria Version 2. Collection method: clinical testing. Allele origin: germline. Affected: yes. Observed: 2 variant alleles.
Comment: PIP4P1: BP4, BS2